The following is an entry in ClinVar:

ClinVar aggregate classification (germline): Pathogenic. Review status: criteria provided, multiple submitters, no conflicts (2 of 4 stars). 5 submissions from 5 submitters: Pathogenic (4). 1 of the submissions does not count toward it. Last evaluated 2025-07-10.

Conditions:
Pyridoxine-dependent epilepsy (EPEO4). Also called: EPILEPSY, EARLY-ONSET, 4, VITAMIN B6-DEPENDENT; PYRIDOXINE DEPENDENCY WITH SEIZURES; Pyridoxine-Dependent Epilepsy - ALDH7A1; Pyridoxine-Dependent Seizures. Identifiers: Orphanet 3006, MedGen C1849508, MONDO:0009945, OMIM 266100. Disease mechanism: loss of function.

Allele frequency attached by ClinVar (database versions not stated): ExAC 0.00001; TOPMed 0.00001; gnomAD 0.00002.
gnomAD v4.1: 14 of 1,597,648 alleles (0.00088%); highest among the groups gnomAD compares: African/African-American, 0.0029%; no homozygotes.

Submissions (5):

3billion
Classification: Pathogenic for Pyridoxine-dependent epilepsy. Last evaluated: 2025-07-10. Review status: criteria provided, single submitter. Criteria: ACMG Guidelines, 2015. Collection method: clinical testing. Allele origin: germline. Affected: yes.
Comment: The variant is observed at an extremely low frequency in the gnomAD v4.1.0 dataset (total allele frequency: <0.001%). Predicted Consequence/Location: Stop-gained (nonsense): predicted to result in a loss or disruption of normal protein function through nonsense-mediated decay (NMD) or protein truncation. Multiple pathogenic variants are reported downstream of the variant. The variant has been reported at least twice as pathogenic with clinical assertions and evidence for the classification (ClinVar ID: VCV001072992 /PMID: 20554659). Therefore, this variant is classified as Pathogenic according to the recommendation of ACMG/AMP guideline.

Fulgent Genetics
Classification: Pathogenic for Pyridoxine-dependent epilepsy. Last evaluated: 2024-02-21. Review status: criteria provided, single submitter. Criteria: ACMG Guidelines, 2015. Collection method: clinical testing. Allele origin: germline.

Labcorp Genetics (formerly Invitae), Labcorp
Classification: Pathogenic for Pyridoxine-dependent epilepsy. Last evaluated: 2024-01-22. Review status: criteria provided, single submitter. Criteria: Invitae Variant Classification Sherloc (09022015). Collection method: clinical testing. Allele origin: germline.
Comment: This sequence change creates a premature translational stop signal (p.Arg81*) in the ALDH7A1 gene. It is expected to result in an absent or disrupted protein product. Loss-of-function variants in ALDH7A1 are known to be pathogenic (PMID: 16491085, 20554659). The frequency data for this variant in the population databases is considered unreliable, as metrics indicate poor data quality at this position in the gnomAD database. This premature translational stop signal has been observed in individual(s) with pyridoxine-dependent epilepsy (PMID: 20554659). ClinVar contains an entry for this variant (Variation ID: 1072992). For these reasons, this variant has been classified as Pathogenic.

Genetics and Molecular Pathology, SA Pathology
Classification: Pathogenic for Pyridoxine-dependent epilepsy. Last evaluated: 2023-12-29. Review status: criteria provided, single submitter. Criteria: ACMG Guidelines, 2015. Collection method: clinical testing. Allele origin: germline. Inheritance: Autosomal recessive inheritance. Affected: yes.

Center of Excellence for Medical Genomics, Chulalongkorn University
Classification: Pathogenic for Pyridoxine-dependent epilepsy. Last evaluated: 2002-09-08. Review status: no assertion criteria provided. Collection method: research. Allele origin: maternal. Affected: yes. Not counted in ClinVar's aggregate classification.

Literature cited by the submitters: PubMed 20554659 (cited by 3billion and Labcorp Genetics (formerly Invitae), Labcorp); PubMed 16491085 (cited by Labcorp Genetics (formerly Invitae), Labcorp).

NM_001182.5(ALDH7A1):c.241C>T (p.Arg81Ter)

Gene: ALDH7A1 (aldehyde dehydrogenase 7 family member A1; minus strand). Cytogenetic location: 5q23.2.
Variant type: single nucleotide variant.
Coding change: c.241C>T on transcript NM_001182.5 (MANE Select); coding-DNA position 241, C replaced by T.
Protein change: p.Arg81Ter; replaces arginine 81 with a stop codon.
Molecular consequence: nonsense.
Genome position (GRCh38, 1-based): chr5:126,593,356, G>A on the plus strand (C>T on the coding strand, the complement: ALDH7A1 is on the minus strand). VCF-style: chr5-126593356-G-A. GRCh37 (hg19) VCF-style: chr5-125929048-G-A.
Other names: c.157C>T, p.Arg53Ter (NM_001201377.2); c.241C>T, p.Arg81Ter (NM_001202404.2); short protein forms R53*, R81*.
Identifiers: ClinVar variation 1072992 (VCV001072992.13), dbSNP rs757377110, ClinGen allele CA3389858.
Genomic context (GRCh38, chr5:126,593,356, plus strand): 5'-TAATTTGAATTAAACACACACACACACACACACACACACACACACACACTCTTACCTGTC[G>A]GACTCTTGCTATTGGCTCGTTGTTAGCAGGGCAATAGGTCGTAATAACCTTAAAACAAAA-3'